The following is an entry in ClinVar:

NM_022124.6(CDH23):c.5748C>T (p.Arg1916=)

Gene: CDH23 (cadherin related 23; plus strand). Cytogenetic location: 10q22.1.
Variant type: single nucleotide variant.
Coding change: c.5748C>T on transcript NM_022124.6 (MANE Select); coding-DNA position 5748, C replaced by T.
Protein change: p.Arg1916=; no amino-acid change (arginine 1916 retained).
Molecular consequence: synonymous variant.
Genome position (GRCh38, 1-based): chr10:71,785,666, C>T. VCF-style: chr10-71785666-C-T. GRCh37 (hg19) VCF-style: chr10-73545423-C-T.
Identifiers: ClinVar variation 509207 (VCV000509207.14), dbSNP rs568453039, ClinGen allele CA5545866.

ClinVar aggregate classification (germline): Likely benign. Review status: criteria provided, multiple submitters, no conflicts (2 of 4 stars). 4 submissions from 4 submitters: Likely benign (4). Last evaluated 2024-12-11.

Conditions:
CDH23-related disorder. Also called: CDH23-related condition; CDH23-related disorders.

Allele frequency attached by ClinVar (database versions not stated): TOPMed 0.00002; 1000 Genomes Project 30x 0.00016; 1000 Genomes Project 0.00020.
gnomAD v4.1: 73 of 1,607,378 alleles (0.0045%); highest among the groups gnomAD compares: South Asian, 0.048%; no homozygotes.

Submissions (4):

PreventionGenetics, part of Exact Sciences
Classification: Likely benign for CDH23-related condition. Last evaluated: 2024-12-11. Review status: criteria provided, single submitter. Criteria: ACMG Guidelines, 2015. Collection method: clinical testing. Allele origin: germline.
Comment: This variant is classified as likely benign based on ACMG/AMP sequence variant interpretation guidelines (Richards et al. 2015 PMID: 25741868, with internal and published modifications).

Blueprint Genetics
Classification: Likely benign. Last evaluated: 2024-04-22. Review status: criteria provided, single submitter. Criteria: ACMG Guidelines, 2015. Collection method: clinical testing. Allele origin: germline.

Labcorp Genetics (formerly Invitae), Labcorp
Classification: Likely benign. Last evaluated: 2024-03-14. Review status: criteria provided, single submitter. Criteria: Invitae Variant Classification Sherloc (09022015). Collection method: clinical testing. Allele origin: germline.

GeneDx
Classification: Likely benign. Last evaluated: 2017-05-23. Review status: criteria provided, single submitter. Criteria: GeneDx Variant Classification (06012015). Collection method: clinical testing. Allele origin: germline. Affected: yes.
Comment: This variant is considered likely benign or benign based on one or more of the following criteria: it is a conservative change, it occurs at a poorly conserved position in the protein, it is predicted to be benign by multiple in silico algorithms, and/or has population frequency not consistent with disease.